The following is an entry in ClinVar:

ClinVar aggregate classification (germline): Pathogenic (1 of 4 stars; one submission).

Conditions:
Gorlin syndrome. Also called: Basal cell nevus syndrome; Nevoid Basal Cell Carcinoma Syndrome. Identifiers: Orphanet 377, MedGen C0004779, MONDO:0007187.

Submission:

Labcorp Genetics (formerly Invitae), Labcorp
Classification: Pathogenic for Gorlin syndrome. Last evaluated: 2020-08-14. Review status: criteria provided, single submitter. Criteria: Invitae Variant Classification Sherloc (09022015). Collection method: clinical testing. Allele origin: germline.
Comment: This sequence change creates a premature translational stop signal (p.Phe715Serfs*31) in the PTCH1 gene. It is expected to result in an absent or disrupted protein product. This variant is not present in population databases (ExAC no frequency). This variant has not been reported in the literature in individuals with PTCH1-related conditions. Loss-of-function variants in PTCH1 are known to be pathogenic (PMID: 16301862, 16419085). For these reasons, this variant has been classified as Pathogenic.

Literature cited by the submitters: PubMed 16301862; PubMed 16419085.

NM_000264.5(PTCH1):c.2144del (p.Phe715fs)

Genes: PTCH1 (patched 1; minus strand), LOC100507346 (uncharacterized LOC100507346; plus strand). Cytogenetic location: 9q22.32.
Variant type: Deletion.
Coding change: c.2144del on transcript NM_000264.5 (MANE Select); coding-DNA position 2144, one base deleted (T; older notation c.2144delT).
Protein change: p.Phe715fs; shifts the reading frame from phenylalanine 715.
Molecular consequence: frameshift variant. On other transcripts: non-coding transcript variant (2).
Genome position (GRCh38, 1-based): chr9:95,468,857, A deleted on the plus strand (T on the coding strand, the reverse complement: PTCH1 is on the minus strand); the first of 2 consecutive A bases (chr9:95,468,857-95,468,858); deleting either gives the same sequence. VCF-style (leftmost placement, unchanged base first): chr9-95468856-GA-G. GRCh37 (hg19) VCF-style: chr9-98231138-GA-G.
Other names: c.1946del, p.Phe649fs (NM_001083602.3); c.2141del, p.Phe714fs (NM_001083603.3); c.1691del, p.Phe564fs (NM_001083604.3, NM_001083605.3, NM_001083606.3 and 1 more transcripts); c.1988del, p.Phe663fs (NM_001354918.2); short protein forms F564fs, F649fs, F663fs, F714fs, F715fs.
Identifiers: ClinVar variation 1076315 (VCV001076315.7), dbSNP rs2118033907, ClinGen allele CA2499220056.